The following is an entry in ClinVar:

NM_015192.4(PLCB1):c.42G>A (p.Lys14=)

Gene: PLCB1 (phospholipase C beta 1; plus strand). Cytogenetic location: 20p12.3.
Variant type: single nucleotide variant.
Coding change: c.42G>A on transcript NM_015192.4 (MANE Select); coding-DNA position 42, G replaced by A.
Protein change: p.Lys14=; no amino-acid change (lysine 14 retained).
Molecular consequence: synonymous variant.
Genome position (GRCh38, 1-based): chr20:8,132,693, G>A. VCF-style: chr20-8132693-G-A. GRCh37 (hg19) VCF-style: chr20-8113340-G-A.
Other names: c.42G>A, p.Lys14= (NM_182734.3).
Identifiers: ClinVar variation 698239 (VCV000698239.16), dbSNP rs775655063, ClinGen allele CA9759521.

ClinVar aggregate classification (germline): Likely benign. Review status: criteria provided, multiple submitters, no conflicts (2 of 4 stars). 4 submissions from 4 submitters: Likely benign (3). 1 of the submissions does not count toward it. Last evaluated 2025-03-03.

Conditions:
Inborn genetic diseases. Identifiers: MedGen C0950123, MeSH D030342.
Developmental and epileptic encephalopathy, 12 (DEE12). Identifiers: MedGen C3150988, MONDO:0013389, OMIM 613722.
PLCB1-related disorder. Also called: PLCB1-related condition.

Allele frequency attached by ClinVar (database versions not stated): gnomAD 0.00001; gnomAD exomes 0.00001 and 0.00004; ExAC 0.00004; TOPMed 0.00005.
gnomAD v4.1: 19 of 1,612,914 alleles (0.0012%); highest among the groups gnomAD compares: Admixed American, 0.022%; no homozygotes.

Submissions (4):

Labcorp Genetics (formerly Invitae), Labcorp
Classification: Likely benign for Developmental and epileptic encephalopathy, 12. Last evaluated: 2025-03-03. Review status: criteria provided, single submitter. Criteria: Invitae Variant Classification Sherloc (09022015). Collection method: clinical testing. Allele origin: germline.

Blueprint Genetics
Classification: Likely benign. Last evaluated: 2024-07-14. Review status: criteria provided, single submitter. Criteria: ACMG Guidelines, 2015. Collection method: clinical testing. Allele origin: germline.

Ambry Genetics
Classification: Likely benign for Inborn genetic diseases. Last evaluated: 2019-04-22. Review status: criteria provided, single submitter. Criteria: Ambry Variant Classification Scheme 2023. Collection method: clinical testing. Allele origin: germline.

PreventionGenetics, part of Exact Sciences
Classification: Likely benign for PLCB1-related condition. Last evaluated: 2019-03-20. Review status: no assertion criteria provided. Collection method: clinical testing. Allele origin: germline. Not counted in ClinVar's aggregate classification.
Comment: This variant is classified as likely benign based on ACMG/AMP sequence variant interpretation guidelines (Richards et al. 2015 PMID: 25741868, with internal and published modifications).